The following is an entry in ClinVar:

ClinVar aggregate classification (germline): Likely pathogenic (0 of 4 stars; one submission).

Conditions:
Gastric cancer. Also called: Stomach cancer; Malignant tumor of stomach. Identifiers: MedGen C0024623, MeSH D013274, MONDO:0001056, OMIM 613659, HP:0012126.

Submission:

Solve-RD Consortium
Classification: Likely pathogenic for Gastric cancer. Last evaluated: 2024-06-01. Review status: no assertion criteria provided. Collection method: provider interpretation. Allele origin: germline. Affected: yes.
Comment: This CNV was confirmed by the submitting clinician to impact a gene that corresponds with the phenotype of the affected individual, and thus deemed to be causative for their condition.

Literature cited by the submitters: PubMed 39825153.

GRCh37/hg19 5q22.2(chr5:112173249-112173448)x1

Gene: APC (APC regulator of Wnt signaling pathway; plus strand). Cytogenetic location: 5q22.2.
Variant type: copy number loss.
Change: copy number 1 (one copy instead of two) of chr5:112,173,249-112,173,448 (0.2 kb, GRCh37 coordinates, 1-based), cytogenetic band 5q22.2.
Identifiers: ClinVar variation 3338451 (VCV003338451.1).